The following is an entry in ClinVar:

ClinVar aggregate classification (germline): Likely benign. Review status: criteria provided, multiple submitters, no conflicts (2 of 4 stars). 4 submissions from 4 submitters: Likely benign (3). 1 of the submissions does not count toward it. Last evaluated 2026-05-01.

Conditions:
CWF19L1-related disorder. Also called: CWF19L1-related condition.

Allele frequency attached by ClinVar (database versions not stated): gnomAD exomes 0.00048; ExAC 0.00064; 1000 Genomes Project 0.00100; 1000 Genomes Project 30x 0.00125; gnomAD 0.00192 and 0.00208; TOPMed 0.00216; ESP Exome Variant Server 0.00261.
gnomAD v4.1: 624 of 1,610,848 alleles (0.039%); highest among the groups gnomAD compares: African/African-American, 0.75%; no homozygotes.

Submissions (4):

CeGaT Center for Human Genetics Tuebingen
Classification: Likely benign. Last evaluated: 2026-05-01. Review status: criteria provided, single submitter. Criteria: CeGaT Center For Human Genetics Tuebingen Variant Classification Criteria Version 2. Collection method: clinical testing. Allele origin: germline. Affected: yes. Observed: 1 variant allele.
Comment: CWF19L1: BS1

Labcorp Genetics (formerly Invitae), Labcorp
Classification: Likely benign. Last evaluated: 2018-07-04. Review status: criteria provided, single submitter. Criteria: Invitae Variant Classification Sherloc (09022015). Collection method: clinical testing. Allele origin: germline.

Breakthrough Genomics
Classification: Likely benign. Review status: criteria provided, single submitter. Criteria: ACMG Guidelines, 2015. Collection method: not provided. Allele origin: germline. Inheritance: Autosomal recessive inheritance. Affected: yes.

PreventionGenetics, part of Exact Sciences
Classification: Likely benign for CWF19L1-related condition. Last evaluated: 2019-11-08. Review status: no assertion criteria provided. Collection method: clinical testing. Allele origin: germline. Not counted in ClinVar's aggregate classification.
Comment: This variant is classified as likely benign based on ACMG/AMP sequence variant interpretation guidelines (Richards et al. 2015 PMID: 25741868, with internal and published modifications).

NM_018294.6(CWF19L1):c.257G>A (p.Gly86Glu)

Gene: CWF19L1 (CWF19 like cell cycle control factor 1; minus strand). Cytogenetic location: 10q24.31.
Variant type: single nucleotide variant.
Coding change: c.257G>A on transcript NM_018294.6 (MANE Select); coding-DNA position 257, G replaced by A.
Protein change: p.Gly86Glu; replaces glycine 86 with glutamic acid.
Molecular consequence: missense variant. On other transcripts: 5 prime UTR variant (2), intron variant (1).
Genome position (GRCh38, 1-based): chr10:100,260,250, C>T on the plus strand (G>A on the coding strand, the complement: CWF19L1 is on the minus strand). VCF-style: chr10-100260250-C-T. GRCh37 (hg19) VCF-style: chr10-102020007-C-T.
Other names: c.257G>A, p.Gly86Glu (NM_001303404.2); c.-155G>A (NM_001303405.2); c.-264G>A (NM_001303407.2); c.-122-3774G>A (NM_001303406.2); short protein forms G86E.
Identifiers: ClinVar variation 716214 (VCV000716214.8), dbSNP rs138748193, ClinGen allele CA5647223.
Genomic context (GRCh38, chr10:100,260,250, plus strand): 5'-AAAAAAAATACAACAAGTATCAGCTTACCCAGATAAGTAATGTTTTCAGCTAATTCACAT[C>T]CATCAGCATCCTGGAAATATTTTACTGTTTCCTGGTTATTAGCACCAAGCACATATGTCT-3'
Protein context (NP_060764.3, residues 76-96): ETVKYFQDAD[Gly86Glu]CELAENITYL